The following is an entry in ClinVar:

ClinVar aggregate classification (germline): Uncertain significance (1 of 4 stars; one submission).

Submission:

Women's Health and Genetics/Laboratory Corporation of America, LabCorp
Classification: Uncertain significance. Last evaluated: 2025-10-17. Review status: criteria provided, single submitter. Criteria: LabCorp Variant Classification Summary - May 2015. Collection method: clinical testing. Allele origin: germline.
Comment: Variant summary: The variant involves the duplication of exons 1-42 in the COL18A1 gene. A presumed nomenclature of c.(?_-67)_(*1323_?)dup has been designated for the purposes of this classification. This duplication includes the entire coding sequence of the gene. As exact breakpoints are unknown, it may extend beyond the annotated region of the gene, to include other flanking genes. A large duplication variant which includes the COL18A1 and SLC19A1 genes was found at a frequency of 3.2e-05 in 125150 control chromosomes in the gnomAD database, structural variants v4 dataset, including 1 (perceived) homozygote. In addition, other larger copy-gain variants which include the COL18A1 gene together with other flanking genes, were also reported in the gnomAD CNVs v4.0 (zygosity not specified in this dataset), e.g. a copy gain of ~333 kbp found in 13/464297 alleles (frequency: 0.000028) and a copy gain of ~728 kbp found in 21 / 464296 alleles (frequency: 0.00004523). The occurrence of a (perceived) homozygote together with several heterozygous carriers in the control population suggests that similar large duplications (which include the flanking regions of the gene) may represent benign polymorphisms, although potential risk associations cannot be excluded. To our knowledge, no occurrence of c.(?_-67)_(*1323_?)dup in individuals affected with COL18A1-related conditions and no experimental evidence demonstrating its impact on protein function have been reported. ClinVar contains an entry for this variant (Variation ID: 2691457). Based on the evidence outlined above, the variant was classified as VUS-possibly benign.

NC_000021.8:g.(?_46825079)_(46933635_?)dup

Gene: COL18A1 (collagen type XVIII alpha 1 chain; plus strand). Cytogenetic location: 21q22.3.
Variant type: Duplication.
Identifiers: ClinVar variation 2691457 (VCV002691457.2).